The following is an entry in ClinVar:

ClinVar aggregate classification (germline): Uncertain significance (1 of 4 stars; one submission).

Allele frequency attached by ClinVar (database versions not stated): TOPMed below 0.00001; gnomAD 0.00001 and 0.00002; gnomAD exomes 0.00001; ExAC 0.00003; 1000 Genomes Project 30x 0.00047; 1000 Genomes Project 0.00060.
gnomAD v4.1: 17 of 1,614,238 alleles (0.0011%); highest among the groups gnomAD compares: African/African-American, 0.0067%; no homozygotes.

Submission:

Labcorp Genetics (formerly Invitae), Labcorp
Classification: Uncertain significance. Last evaluated: 2022-03-03. Review status: criteria provided, single submitter. Criteria: Invitae Variant Classification Sherloc (09022015). Collection method: clinical testing. Allele origin: germline.
Comment: In summary, the available evidence is currently insufficient to determine the role of this variant in disease. Therefore, it has been classified as a Variant of Uncertain Significance. Algorithms developed to predict the effect of missense changes on protein structure and function (SIFT, PolyPhen-2, Align-GVGD) all suggest that this variant is likely to be tolerated. This variant has not been reported in the literature in individuals affected with LAMA1-related conditions. This variant is present in population databases (rs148215666, gnomAD 0.01%). This sequence change replaces valine, which is neutral and non-polar, with methionine, which is neutral and non-polar, at codon 2029 of the LAMA1 protein (p.Val2029Met).

NM_005559.4(LAMA1):c.6085G>A (p.Val2029Met)

Gene: LAMA1 (laminin subunit alpha 1; minus strand). Cytogenetic location: 18p11.31.
Variant type: single nucleotide variant.
Coding change: c.6085G>A on transcript NM_005559.4 (MANE Select); coding-DNA position 6085, G replaced by A.
Protein change: p.Val2029Met; replaces valine 2029 with methionine.
Molecular consequence: missense variant.
Genome position (GRCh38, 1-based): chr18:6,978,301, C>T on the plus strand (G>A on the coding strand, the complement: LAMA1 is on the minus strand). VCF-style: chr18-6978301-C-T. GRCh37 (hg19) VCF-style: chr18-6978300-C-T.
Other names: short protein forms V2029M.
Identifiers: ClinVar variation 1524858 (VCV001524858.8), dbSNP rs148215666, ClinGen allele CA8881361.